The following is an entry in ClinVar:

ClinVar aggregate classification (germline): Likely benign (1 of 4 stars; one submission).

Conditions:
SEMA3B-related disorder. Also called: SEMA3B-related condition.

gnomAD v4.1: 1 of 1,525,888 alleles (0.000066%); highest among the groups gnomAD compares: East Asian, 0.0025%; no homozygotes.

Submission:

PreventionGenetics, part of Exact Sciences
Classification: Likely benign for SEMA3B-related condition. Last evaluated: 2022-04-11. Review status: criteria provided, single submitter. Criteria: ACMG Guidelines, 2015. Collection method: clinical testing. Allele origin: germline.
Comment: This variant is classified as likely benign based on ACMG/AMP sequence variant interpretation guidelines (Richards et al. 2015 PMID: 25741868, with internal and published modifications).

NM_001290060.2(SEMA3B):c.1874C>A (p.Thr625Asn)

Gene: SEMA3B (semaphorin 3B; plus strand). Cytogenetic location: 3p21.31.
Variant type: single nucleotide variant.
Coding change: c.1874C>A on transcript NM_001290060.2 (MANE Select); coding-DNA position 1874, C replaced by A.
Protein change: p.Thr625Asn; replaces threonine 625 with asparagine.
Molecular consequence: missense variant. On other transcripts: non-coding transcript variant (1).
Genome position (GRCh38, 1-based): chr3:50,276,330, C>A. VCF-style: chr3-50276330-C-A. GRCh37 (hg19) VCF-style: chr3-50313761-C-A.
Other names: c.1871C>A, p.Thr624Asn (NM_001005914.3); c.1889C>A, p.Thr630Asn (NM_001290061.1); c.845C>A, p.Thr282Asn (NM_001290062.2, NM_001290063.2); c.1874C>A, p.Thr625Asn (NM_004636.4); short protein forms T282N, T624N, T625N, T630N.
Identifiers: ClinVar variation 3031876 (VCV003031876.1), dbSNP rs782552193, ClinGen allele CA352920415.